The following is an entry in ClinVar:

NM_031439.4(SOX7):c.1119C>T (p.Val373=)

Gene: SOX7 (SRY-box transcription factor 7). Cytogenetic location: 8p23.1.
Variant type: single nucleotide variant.
Coding change: c.1119C>T on transcript NM_031439.4 (MANE Select); coding-DNA position 1119, C replaced by T.
Protein change: p.Val373=; no amino-acid change (valine 373 retained).
Molecular consequence: synonymous variant.
Genome position (GRCh38, 1-based): chr8:10,725,786, G>A on the plus strand (C>T on the coding strand, the complement: SOX7 is on the minus strand). VCF-style: chr8-10725786-G-A. GRCh37 (hg19) VCF-style: chr8-10583296-G-A.
Identifiers: ClinVar variation 4979490 (VCV004979490.1).

ClinVar aggregate classification (germline): Likely benign (1 of 4 stars; one submission).

Conditions:
SOX7-related disorder. Also called: SOX7-related condition.

gnomAD v4.1: 116 of 1,614,218 alleles (0.0072%); highest among the groups gnomAD compares: East Asian, 0.14%; no homozygotes.

Submission:

PreventionGenetics, part of Exact Sciences
Classification: Likely benign for SOX7-related condition. Last evaluated: 2026-07-30. Review status: criteria provided, single submitter. Criteria: ACMG Guidelines, 2015. Collection method: clinical testing. Allele origin: germline.
Comment: This variant is classified as likely benign based on ACMG/AMP sequence variant interpretation guidelines (Richards et al. 2015 PMID: 25741868, with internal and published modifications).